The following is an entry in ClinVar:

NM_001151.4(SLC25A4):c.311A>G (p.Asp104Gly)

Gene: SLC25A4 (solute carrier family 25 member 4; plus strand). Cytogenetic location: 4q35.1.
Variant type: single nucleotide variant.
Coding change: c.311A>G on transcript NM_001151.4 (MANE Select); coding-DNA position 311, A replaced by G.
Protein change: p.Asp104Gly; replaces aspartic acid 104 with glycine.
Molecular consequence: missense variant.
Genome position (GRCh38, 1-based): chr4:185,144,963, A>G. VCF-style: chr4-185144963-A-G. GRCh37 (hg19) VCF-style: chr4-186066117-A-G.
Other names: c.311A>G (NM_001151.3); short protein forms D104G.
Identifiers: ClinVar variation 18248 (VCV000018248.2), dbSNP rs28999114, ClinGen allele CA127987.

ClinVar aggregate classification (germline): Likely pathogenic. Review status: criteria provided, single submitter (1 of 4 stars). 2 submissions from 2 submitters: Likely pathogenic (1). 1 of the submissions does not count toward it. Last evaluated 2025-04-25.

Conditions:
Progressive external ophthalmoplegia with mitochondrial DNA deletions, autosomal dominant 2. Also called: PROGRESSIVE EXTERNAL OPHTHALMOPLEGIA, AUTOSOMAL DOMINANT 2. Identifiers: MedGen C1836460, MONDO:0012238, OMIM 609283.

Submissions (2):

GeneDx
Classification: Likely pathogenic. Last evaluated: 2025-04-25. Review status: criteria provided, single submitter. Criteria: GeneDx Variant Classification Process June 2021. Collection method: clinical testing. Allele origin: germline. Affected: yes.
Comment: Published functional studies demonstrate a damaging effect: reduced transport activity (PMID: 27693233); Not observed at significant frequency in large population cohorts (gnomAD); In silico analysis supports that this missense variant has a deleterious effect on protein structure/function; This variant is associated with the following publications: (PMID: 22497660, 27693233, 34732400, 12112115)

OMIM
Classification: Pathogenic for PROGRESSIVE EXTERNAL OPHTHALMOPLEGIA WITH MITOCHONDRIAL DNA DELETIONS, AUTOSOMAL DOMINANT 2. Last evaluated: 2002-05-01. Review status: no assertion criteria provided. Collection method: literature only. Allele origin: germline. Not counted in ClinVar's aggregate classification.

Literature cited by the submitters: PubMed 12112115 (cited by OMIM).